The following is an entry in ClinVar:

NM_002454.3(MTRR):c.208C>T (p.Arg70Cys)

Gene: MTRR (5-methyltetrahydrofolate-homocysteine methyltransferase reductase; plus strand). Cytogenetic location: 5p15.31.
Variant type: single nucleotide variant.
Coding change: c.208C>T on transcript NM_002454.3 (MANE Select); coding-DNA position 208, C replaced by T.
Protein change: p.Arg70Cys; replaces arginine 70 with cysteine.
Molecular consequence: missense variant. On other transcripts: non-coding transcript variant (8).
Genome position (GRCh38, 1-based): chr5:7,873,451, C>T. VCF-style: chr5-7873451-C-T. GRCh37 (hg19) VCF-style: chr5-7873564-C-T.
Other names: c.208C>T, p.Arg70Cys (NM_001364440.2, NM_001364441.2, NM_001364442.2 and 1 more transcripts); short protein forms R70C.
Identifiers: ClinVar variation 354343 (VCV000354343.11), dbSNP rs374239028, ClinGen allele CA3195516.

ClinVar aggregate classification (germline): Uncertain significance. Review status: criteria provided, multiple submitters, no conflicts (2 of 4 stars). 4 submissions from 4 submitters: Uncertain significance (3). 1 of the submissions does not count toward it. Last evaluated 2025-05-19.

Conditions:
Inborn genetic diseases. Identifiers: MedGen C0950123, MeSH D030342.
Methylcobalamin deficiency type cblE (HMAE). Also called: VITAMIN B12-RESPONSIVE HOMOCYSTINURIA, cblE TYPE; HOMOCYSTINURIA-MEGALOBLASTIC ANEMIA, cblE COMPLEMENTATION TYPE; HOMOCYSTINURIA-MEGALOBLASTIC ANEMIA, cblE TYPE. Identifiers: Orphanet 2169, Orphanet 622, MedGen C1856057, MONDO:0009354, OMIM 236270.
Disorders of Intracellular Cobalamin Metabolism. Identifiers: MedGen CN043592.

Allele frequency attached by ClinVar (database versions not stated): TOPMed 0.00004; gnomAD 0.00005; gnomAD exomes 0.00007 and 0.00008; ExAC 0.00008; ESP Exome Variant Server 0.00008.
gnomAD v4.1: 131 of 1,614,080 alleles (0.0081%); highest among the groups gnomAD compares: East Asian, 0.018%; no homozygotes.

Submissions (4):

Ambry Genetics
Classification: Uncertain significance for Inborn genetic diseases. Last evaluated: 2025-05-19. Review status: criteria provided, single submitter. Criteria: Ambry Variant Classification Scheme 2023. Collection method: clinical testing. Allele origin: germline.

Labcorp Genetics (formerly Invitae), Labcorp
Classification: Uncertain significance for Methylcobalamin deficiency type cblE. Last evaluated: 2021-08-27. Review status: criteria provided, single submitter. Criteria: Invitae Variant Classification Sherloc (09022015). Collection method: clinical testing. Allele origin: germline.
Comment: This sequence change replaces arginine with cysteine at codon 70 of the MTRR protein (p.Arg70Cys). The arginine residue is moderately conserved and there is a large physicochemical difference between arginine and cysteine. This variant is present in population databases (rs374239028, ExAC 0.05%). This variant has not been reported in the literature in individuals affected with MTRR-related conditions. ClinVar contains an entry for this variant (Variation ID: 354343). Algorithms developed to predict the effect of missense changes on protein structure and function (SIFT, PolyPhen-2, Align-GVGD) all suggest that this variant is likely to be tolerated. In summary, the available evidence is currently insufficient to determine the role of this variant in disease. Therefore, it has been classified as a Variant of Uncertain Significance.

Illumina Laboratory Services, Illumina
Classification: Uncertain significance for Disorders of Intracellular Cobalamin Metabolism. Last evaluated: 2018-01-13. Review status: criteria provided, single submitter. Criteria: ICSL Variant Classification Criteria 13 December 2019. Collection method: clinical testing. Allele origin: germline.

Natera, Inc.
Classification: Uncertain significance for CblE complementation type homocystinuria-megaloblastic anemia due to defect in cobalamin metabolism. Last evaluated: 2020-09-16. Review status: no assertion criteria provided. Collection method: clinical testing. Allele origin: germline. Not counted in ClinVar's aggregate classification.